The following is an entry in ClinVar:

ClinVar aggregate classification (germline): Conflicting classifications of pathogenicity. Review status: criteria provided, conflicting classifications (1 of 4 stars). 3 submissions from 3 submitters: Uncertain significance (2); Likely benign (1). Last evaluated 2025-09-29.

Conditions:
RP1L1-related disorder. Also called: RP1L1-related condition.
Inborn genetic diseases. Identifiers: MedGen C0950123, MeSH D030342.

Allele frequency attached by ClinVar (database versions not stated): TOPMed 0.00006; ExAC 0.00007; ESP Exome Variant Server 0.00008; gnomAD 0.00008; gnomAD exomes 0.00013; 1000 Genomes Project 30x 0.00016; 1000 Genomes Project 0.00040.
gnomAD v4.1: 211 of 1,613,570 alleles (0.013%); highest among the groups gnomAD compares: East Asian, 0.036%; no homozygotes.

Submissions (3):

PreventionGenetics, part of Exact Sciences
Classification: Uncertain significance for RP1L1-related condition. Last evaluated: 2025-09-29. Review status: criteria provided, single submitter. Criteria: ACMG Guidelines, 2015. Collection method: clinical testing. Allele origin: germline.
Comment: The RP1L1 c.4330G>A variant is predicted to result in the amino acid substitution p.Ala1444Thr. To our knowledge, this variant has not been reported in the literature. This variant is reported in 0.036% of alleles in individuals of East Asian descent in gnomAD. At this time, the clinical significance of this variant is uncertain due to the absence of conclusive functional and genetic evidence.

Blueprint Genetics
Classification: Likely benign. Last evaluated: 2023-09-13. Review status: criteria provided, single submitter. Criteria: ACMG Guidelines, 2015. Collection method: clinical testing. Allele origin: germline.

Ambry Genetics
Classification: Uncertain significance for Inborn genetic diseases. Last evaluated: 2021-09-16. Review status: criteria provided, single submitter. Criteria: Ambry Variant Classification Scheme 2023. Collection method: clinical testing. Allele origin: germline.

NM_178857.6(RP1L1):c.4330G>A (p.Ala1444Thr)

Gene: RP1L1 (RP1 like 1). Cytogenetic location: 8p23.1.
Variant type: single nucleotide variant.
Coding change: c.4330G>A on transcript NM_178857.6 (MANE Select); coding-DNA position 4330, G replaced by A.
Protein change: p.Ala1444Thr; replaces alanine 1444 with threonine.
Molecular consequence: missense variant.
Genome position (GRCh38, 1-based): chr8:10,609,768, C>T on the plus strand (G>A on the coding strand, the complement: RP1L1 is on the minus strand). VCF-style: chr8-10609768-C-T. GRCh37 (hg19) VCF-style: chr8-10467278-C-T.
Other names: short protein forms A1444T.
Identifiers: ClinVar variation 2368429 (VCV002368429.4), dbSNP rs371898327, ClinGen allele CA4624067.
Genomic context (GRCh38, chr8:10,609,768, plus strand): 5'-CACTTGGGTCCGTCTCGCTGAGATGACTAGGGGGCTCTGTGGGTTCCTCTGTGCCCTCTG[C>T]GGGGCACGGCTCTGCAGAGGCAGAGGCTCTTCCTGCTTCCTCCTCCTGGACTGGGTCATC-3'
Protein context (NP_849188.4, residues 1434-1454): RASASAEPCP[Ala1444Thr]EGTEEPTEPP